The following is an entry in ClinVar:

ClinVar aggregate classification (germline): Uncertain significance (1 of 4 stars; one submission).

Conditions:
Cohen syndrome (COH1). Also called: PEPPER SYNDROME; Cutis verticis gyrata, retinitis pigmentosa, and sensorineural deafness. Identifiers: Orphanet 193, MedGen C0265223, MONDO:0008999, OMIM 216550.

Submission:

Labcorp Genetics (formerly Invitae), Labcorp
Classification: Uncertain significance for Cohen syndrome. Last evaluated: 2021-12-25. Review status: criteria provided, single submitter. Criteria: Invitae Variant Classification Sherloc (09022015). Collection method: clinical testing. Allele origin: germline.
Comment: This sequence change replaces glycine, which is neutral and non-polar, with aspartic acid, which is acidic and polar, at codon 3428 of the VPS13B protein (p.Gly3428Asp). This variant is not present in population databases (gnomAD no frequency). This variant has not been reported in the literature in individuals affected with VPS13B-related conditions. Algorithms developed to predict the effect of missense changes on protein structure and function are either unavailable or do not agree on the potential impact of this missense change (SIFT: "Not Available"; PolyPhen-2: "Benign"; Align-GVGD: "Not Available"). In summary, the available evidence is currently insufficient to determine the role of this variant in disease. Therefore, it has been classified as a Variant of Uncertain Significance.

NM_152564.5(VPS13B):c.10208G>A (p.Gly3403Asp)

Gene: VPS13B (vacuolar protein sorting 13 homolog B; plus strand). Cytogenetic location: 8q22.2.
Variant type: single nucleotide variant.
Coding change: c.10208G>A on transcript NM_152564.5 (MANE Select); coding-DNA position 10208, G replaced by A.
Protein change: p.Gly3403Asp; replaces glycine 3403 with aspartic acid.
Molecular consequence: missense variant.
Genome position (GRCh38, 1-based): chr8:99,853,597, G>A. VCF-style: chr8-99853597-G-A. GRCh37 (hg19) VCF-style: chr8-100865825-G-A.
Other names: c.10283G>A, p.Gly3428Asp (NM_017890.5); short protein forms G3403D, G3428D.
Identifiers: ClinVar variation 2417146 (VCV002417146.6), dbSNP rs2492236936, ClinGen allele CA371781009.